The following is an entry in ClinVar:

NM_001330691.3(CEP78):c.1888G>T (p.Asp630Tyr)

Gene: CEP78 (centrosomal protein 78; plus strand). Cytogenetic location: 9q21.2.
Variant type: single nucleotide variant.
Coding change: c.1888G>T on transcript NM_001330691.3 (MANE Select); coding-DNA position 1888, G replaced by T.
Protein change: p.Asp630Tyr; replaces aspartic acid 630 with tyrosine.
Molecular consequence: missense variant.
Genome position (GRCh38, 1-based): chr9:78,266,484, G>T. VCF-style: chr9-78266484-G-T. GRCh37 (hg19) VCF-style: chr9-80881400-G-T.
Other names: c.1891G>T, p.Asp631Tyr (NM_001098802.3, NM_001349839.2); c.1840G>T, p.Asp614Tyr (NM_001330693.3, NM_001330694.2); c.1888G>T, p.Asp630Tyr (NM_001349838.2); c.1843G>T, p.Asp615Tyr (NM_001349840.2, NM_032171.3); short protein forms D615Y, D631Y, D614Y, D630Y.
Identifiers: ClinVar variation 1477474 (VCV001477474.5), dbSNP rs771598824, ClinGen allele CA373866985.

ClinVar aggregate classification (germline): Uncertain significance (1 of 4 stars; one submission).

gnomAD v4.1: 52 of 1,612,226 alleles (0.0032%); highest among the groups gnomAD compares: Non-Finnish European, 0.0043%; no homozygotes.

Submission:

Labcorp Genetics (formerly Invitae), Labcorp
Classification: Uncertain significance. Last evaluated: 2021-10-07. Review status: criteria provided, single submitter. Criteria: Invitae Variant Classification Sherloc (09022015). Collection method: clinical testing. Allele origin: germline.
Comment: In summary, the available evidence is currently insufficient to determine the role of this variant in disease. Therefore, it has been classified as a Variant of Uncertain Significance. Algorithms developed to predict the effect of missense changes on protein structure and function are either unavailable or do not agree on the potential impact of this missense change (SIFT: "Deleterious"; PolyPhen-2: "Probably Damaging"; Align-GVGD: "Class C0"). This variant has not been reported in the literature in individuals affected with CEP78-related conditions. This variant is not present in population databases (ExAC no frequency). This sequence change replaces aspartic acid with tyrosine at codon 631 of the CEP78 protein (p.Asp631Tyr). The aspartic acid residue is moderately conserved and there is a large physicochemical difference between aspartic acid and tyrosine.